The following is an entry in ClinVar:

ClinVar aggregate classification (germline): Uncertain significance (1 of 4 stars; one submission).

Conditions:
Alstrom syndrome (ALMS). Identifiers: Orphanet 64, MedGen C0268425, MONDO:0008763, OMIM 203800.

gnomAD v4.1: 10 of 1,614,036 alleles (0.00062%); highest among the groups gnomAD compares: Non-Finnish European, 0.00085%; no homozygotes.

Submission:

Labcorp Genetics (formerly Invitae), Labcorp
Classification: Uncertain significance for Alstrom syndrome. Last evaluated: 2024-08-05. Review status: criteria provided, single submitter. Criteria: Invitae Variant Classification Sherloc (09022015). Collection method: clinical testing. Allele origin: germline.
Comment: This sequence change replaces proline, which is neutral and non-polar, with arginine, which is basic and polar, at codon 3120 of the ALMS1 protein (p.Pro3120Arg). This variant is present in population databases (rs775711373, gnomAD 0.0009%). This variant has not been reported in the literature in individuals affected with ALMS1-related conditions. Experimental studies and prediction algorithms are not available or were not evaluated, and the functional significance of this variant is currently unknown. In summary, the available evidence is currently insufficient to determine the role of this variant in disease. Therefore, it has been classified as a Variant of Uncertain Significance.

NM_001378454.1(ALMS1):c.9356C>G (p.Pro3119Arg)

Gene: ALMS1 (ALMS1 centrosome and basal body associated protein; plus strand). Cytogenetic location: 2p13.1.
Variant type: single nucleotide variant.
Coding change: c.9356C>G on transcript NM_001378454.1 (MANE Select); coding-DNA position 9356, C replaced by G.
Protein change: p.Pro3119Arg; replaces proline 3119 with arginine.
Molecular consequence: missense variant.
Genome position (GRCh38, 1-based): chr2:73,491,315, C>G. VCF-style: chr2-73491315-C-G. GRCh37 (hg19) VCF-style: chr2-73718442-C-G.
Other names: c.9359C>G, p.Pro3120Arg (NM_015120.4); short protein forms P3120R, P3119R.
Identifiers: ClinVar variation 3667080 (VCV003667080.2).